The following is an entry in ClinVar:

NM_006231.4(POLE):c.5934C>A (p.Asn1978Lys)

Gene: POLE (DNA polymerase epsilon, catalytic subunit; minus strand). Cytogenetic location: 12q24.33.
Variant type: single nucleotide variant.
Coding change: c.5934C>A on transcript NM_006231.4 (MANE Select); coding-DNA position 5934, C replaced by A.
Protein change: p.Asn1978Lys; replaces asparagine 1978 with lysine.
Molecular consequence: missense variant.
Genome position (GRCh38, 1-based): chr12:132,634,256, G>T on the plus strand (C>A on the coding strand, the complement: POLE is on the minus strand). VCF-style: chr12-132634256-G-T. GRCh37 (hg19) VCF-style: chr12-133210842-G-T.
Other names: short protein forms N1978K.
Identifiers: ClinVar variation 854461 (VCV000854461.9), dbSNP rs2041990702, ClinGen allele CA387371562.

ClinVar aggregate classification (germline): Uncertain significance (1 of 4 stars; one submission).

Submission:

Labcorp Genetics (formerly Invitae), Labcorp
Classification: Uncertain significance. Last evaluated: 2019-11-25. Review status: criteria provided, single submitter. Criteria: Invitae Variant Classification Sherloc (09022015). Collection method: clinical testing. Allele origin: germline.
Comment: This sequence change replaces asparagine with lysine at codon 1978 of the POLE protein (p.Asn1978Lys). The asparagine residue is moderately conserved and there is a moderate physicochemical difference between asparagine and lysine. In summary, the available evidence is currently insufficient to determine the role of this variant in disease. Therefore, it has been classified as a Variant of Uncertain Significance. Algorithms developed to predict the effect of missense changes on protein structure and function (SIFT, PolyPhen-2, Align-GVGD) all suggest that this variant is likely to be tolerated, but these predictions have not been confirmed by published functional studies and their clinical significance is uncertain. This variant has not been reported in the literature in individuals with POLE-related conditions. This variant is not present in population databases (ExAC no frequency).